The following is an entry in ClinVar:

ClinVar aggregate classification (germline): Uncertain significance (1 of 4 stars; one submission).

Conditions:
Pyridoxine-dependent epilepsy (EPEO4). Also called: Pyridoxine-Dependent Epilepsy - ALDH7A1; PYRIDOXINE DEPENDENCY WITH SEIZURES; EPILEPSY, EARLY-ONSET, 4, VITAMIN B6-DEPENDENT; Pyridoxine-Dependent Seizures. Identifiers: Orphanet 3006, MedGen C1849508, MONDO:0009945, OMIM 266100. Disease mechanism: loss of function.

Submission:

Labcorp Genetics (formerly Invitae), Labcorp
Classification: Uncertain significance for Pyridoxine-dependent epilepsy. Last evaluated: 2021-12-02. Review status: criteria provided, single submitter. Criteria: Invitae Variant Classification Sherloc (09022015). Collection method: clinical testing. Allele origin: germline.
Comment: This sequence change replaces glutamic acid, which is acidic and polar, with valine, which is neutral and non-polar, at codon 491 of the ALDH7A1 protein (p.Glu491Val). This variant is not present in population databases (gnomAD no frequency). This variant has not been reported in the literature in individuals affected with ALDH7A1-related conditions. Advanced modeling of protein sequence and biophysical properties (such as structural, functional, and spatial information, amino acid conservation, physicochemical variation, residue mobility, and thermodynamic stability) performed at Invitae indicates that this missense variant is expected to disrupt ALDH7A1 protein function. In summary, the available evidence is currently insufficient to determine the role of this variant in disease. Therefore, it has been classified as a Variant of Uncertain Significance.

NM_001182.5(ALDH7A1):c.1472A>T (p.Glu491Val)

Gene: ALDH7A1 (aldehyde dehydrogenase 7 family member A1; minus strand). Cytogenetic location: 5q23.2.
Variant type: single nucleotide variant.
Coding change: c.1472A>T on transcript NM_001182.5 (MANE Select); coding-DNA position 1472, A replaced by T.
Protein change: p.Glu491Val; replaces glutamic acid 491 with valine.
Molecular consequence: missense variant.
Genome position (GRCh38, 1-based): chr5:126,549,946, T>A on the plus strand (A>T on the coding strand, the complement: ALDH7A1 is on the minus strand). VCF-style: chr5-126549946-T-A. GRCh37 (hg19) VCF-style: chr5-125885638-T-A.
Other names: c.1388A>T, p.Glu463Val (NM_001201377.2); c.1280A>T, p.Glu427Val (NM_001202404.2); short protein forms E491V, E427V, E463V.
Identifiers: ClinVar variation 1366445 (VCV001366445.8), dbSNP rs2112752333, ClinGen allele CA360720912.